The following is an entry in ClinVar:

ClinVar aggregate classification (germline): Pathogenic (1 of 4 stars; one submission).

Conditions:
Osteogenesis imperfecta type I (OI1). Also called: Classic Non-deforming Osteogenesis Imperfecta with Blue Sclerae; OI, TYPE I; OSTEOGENESIS IMPERFECTA TARDA; OSTEOGENESIS IMPERFECTA WITH BLUE SCLERAE; Osteogenesis imperfecta type 1; Lobstein's Disease. Identifiers: Orphanet 216796, Orphanet 666, MedGen C0023931, MONDO:0008146, OMIM 166200. Disease mechanism: loss of function.

Submission:

Labcorp Genetics (formerly Invitae), Labcorp
Classification: Pathogenic for Osteogenesis imperfecta type I. Last evaluated: 2025-10-09. Review status: criteria provided, single submitter. Criteria: Invitae Variant Classification Sherloc (09022015). Collection method: clinical testing. Allele origin: germline.
Comment: This sequence change replaces glycine, which is neutral and non-polar, with serine, which is neutral and polar, at codon 734 of the COL1A1 protein (p.Gly734Ser). This variant is not present in population databases (gnomAD no frequency). This missense change has been observed in individual(s) with osteogenesis imperfecta (internal data). ClinVar contains an entry for this variant (Variation ID: 1409133). Invitae Evidence Modeling of protein sequence and biophysical properties (such as structural, functional, and spatial information, amino acid conservation, physicochemical variation, residue mobility, and thermodynamic stability) indicates that this missense variant is expected to disrupt COL1A1 protein function with a positive predictive value of 95%. This variant disrupts the triple helix domain of COL1A1. Glycine residues within the Gly-Xaa-Yaa repeats of the triple helix domain are required for the structure and stability of fibrillar collagens (PMID: 7695699, 8218237, 19344236). In COL1A1, variants affecting these glycine residues are significantly enriched in individuals with disease (PMID: 9016532, 17078022) compared to the general population (ExAC). For these reasons, this variant has been classified as Pathogenic.

Literature cited by the submitters: PubMed 7695699; PubMed 8218237; PubMed 19344236; PubMed 9016532; PubMed 17078022.

NM_000088.4(COL1A1):c.2200G>A (p.Gly734Ser)

Gene: COL1A1 (collagen type I alpha 1 chain; minus strand). Cytogenetic location: 17q21.33.
Variant type: single nucleotide variant.
Coding change: c.2200G>A on transcript NM_000088.4 (MANE Select); coding-DNA position 2200, G replaced by A.
Protein change: p.Gly734Ser; replaces glycine 734 with serine.
Molecular consequence: missense variant.
Genome position (GRCh38, 1-based): chr17:50,191,418, C>T on the plus strand (G>A on the coding strand, the complement: COL1A1 is on the minus strand). VCF-style: chr17-50191418-C-T. GRCh37 (hg19) VCF-style: chr17-48268779-C-T.
Other names: short protein forms G734S.
Identifiers: ClinVar variation 1409133 (VCV001409133.8), dbSNP rs2144558383, ClinGen allele CA400210964.